The following is an entry in ClinVar:

ClinVar aggregate classification (germline): Benign. Review status: criteria provided, multiple submitters, no conflicts (2 of 4 stars). 2 submissions from 2 submitters: Benign (2). Last evaluated 2018-01-12.

Conditions:
Myostatin-related muscle hypertrophy (MSLHP). Also called: MUSCLE HYPERTROPHY. Identifiers: Orphanet 275534, MedGen C2931112, MONDO:0013598, OMIM 614160.

Allele frequency attached by ClinVar (database versions not stated): gnomAD 0.00083; 1000 Genomes Project 0.00040; 1000 Genomes Project 30x 0.00047; gnomAD exomes 0.00057; TOPMed 0.00108.
gnomAD v4.1: 251 of 334,900 alleles (0.075%); highest among the groups gnomAD compares: African/African-American, 0.19%; 3 homozygotes.

Submissions (2):

Illumina Laboratory Services, Illumina
Classification: Benign for Myostatin-related muscle hypertrophy. Last evaluated: 2018-01-12. Review status: criteria provided, single submitter. Criteria: ICSL Variant Classification Criteria 13 December 2019. Collection method: clinical testing. Allele origin: germline.
Comment: This variant was observed in the ICSL laboratory as part of a predisposition screen in an ostensibly healthy population. It had not been previously curated by ICSL or reported in the Human Gene Mutation Database (HGMD: prior to June 1st, 2018), and was therefore a candidate for classification through an automated scoring system. Utilizing variant allele frequency, disease prevalence and penetrance estimates, and inheritance mode, an automated score was calculated to assess if this variant is too frequent to cause the disease. Based on the score and internal cut-off values, a variant classified as benign is not then subjected to further curation. The score for this variant resulted in a classification of benign for this disease.

Breakthrough Genomics
Classification: Benign. Review status: criteria provided, single submitter. Criteria: ACMG Guidelines, 2015. Collection method: not provided. Allele origin: germline. Inheritance: Autosomal recessive inheritance. Affected: yes.

NM_005259.3(MSTN):c.*290C>T

Genes: C2orf88 (chromosome 2 open reading frame 88; plus strand), MSTN (myostatin; minus strand). Cytogenetic location: 2q32.2.
Variant type: single nucleotide variant.
Coding change: c.*290C>T on transcript NM_005259.3 (MANE Select); 290 bases downstream of the stop codon, C replaced by T.
Molecular consequence: 3 prime UTR variant.
Genome position (GRCh38, 1-based): chr2:190,056,968, G>A on the plus strand (C>T on the coding strand, the complement: MSTN is on the minus strand). VCF-style: chr2-190056968-G-A. GRCh37 (hg19) VCF-style: chr2-190921694-G-A.
Other names: c.*290C>T (LRG_200t1).
Identifiers: ClinVar variation 333228 (VCV000333228.6), dbSNP rs537956645, ClinGen allele CA10613359.